The following is an entry in ClinVar:

ClinVar aggregate classification (germline): Likely pathogenic (1 of 4 stars; one submission).

Conditions:
Charcot-Marie-Tooth disease axonal type 2C (HMSN2C). Also called: Charcot-Marie-Tooth Disease Type 2, TRPV4-Related (CMT2C); CHARCOT-MARIE-TOOTH DISEASE, AXONAL, AUTOSOMAL DOMINANT, TYPE 2C; Charcot-Marie-Tooth Neuropathy Type 2C. Identifiers: Orphanet 99937, MedGen C1853710, MONDO:0011633, OMIM 606071.

Submission:

Labcorp Genetics (formerly Invitae), Labcorp
Classification: Likely pathogenic for Charcot-Marie-Tooth disease axonal type 2C. Last evaluated: 2022-07-05. Review status: criteria provided, single submitter. Criteria: Invitae Variant Classification Sherloc (09022015). Collection method: clinical testing. Allele origin: germline.
Comment: In summary, the currently available evidence indicates that the variant is pathogenic, but additional data are needed to prove that conclusively. Therefore, this variant has been classified as Likely Pathogenic. ClinVar contains an entry for this variant (Variation ID: 1014727). This variant has been observed in individual(s) with clinical features of TRPV4-related conditions (Invitae). In at least one individual the variant was observed to be de novo. This variant is not present in population databases (gnomAD no frequency). This variant, c.2386_2388del, results in the deletion of 1 amino acid(s) of the TRPV4 protein (p.Asn796del), but otherwise preserves the integrity of the reading frame.

NM_021625.5(TRPV4):c.2386_2388del (p.Asn796del)

Gene: TRPV4 (transient receptor potential cation channel subfamily V member 4; minus strand). Cytogenetic location: 12q24.11.
Variant type: Deletion.
Coding change: c.2386_2388del on transcript NM_021625.5 (MANE Select); coding-DNA positions 2386 to 2388, 3 bases deleted (AAC; older notation c.2386_2388delAAC).
Protein change: p.Asn796del; deletes asparagine 796.
Molecular consequence: inframe indel (on NM_001177428.2).
Genome position (GRCh38, 1-based): chr12:109,784,386-109,784,388, GTT deleted on the plus strand (AAC on the coding strand, the reverse complement: TRPV4 is on the minus strand); deleting any 3 consecutive bases within chr12:109,784,386-109,784,389 gives the same sequence; the c. name uses the placement nearest the transcript's 3' end. VCF-style (leftmost placement, unchanged base first): chr12-109784385-CGTT-C. GRCh37 (hg19) VCF-style: chr12-110222190-CGTT-C.
Other names: c.2244_2246delCAA, p.Asn749del (NM_001177428.2); c.2283_2285delCAA, p.Asn762del (NM_001177431.2); c.2064_2066delCAA, p.Asn689del (NM_001177433.2); c.2205_2207delCAA, p.Asn736del (NM_147204.3); short protein forms N689del, N736del, N749del, N762del, N796del.
Identifiers: ClinVar variation 1014727 (VCV001014727.8), dbSNP rs1889549195, ClinGen allele CA2062557957.